The following is an entry in ClinVar:

NM_000051.4(ATM):c.6197A>T (p.Gln2066Leu)

Genes: ATM (ATM serine/threonine kinase; plus strand), C11orf65 (chromosome 11 open reading frame 65; minus strand). Cytogenetic location: 11q22.3.
Variant type: single nucleotide variant.
Coding change: c.6197A>T on transcript NM_000051.4 (MANE Select); coding-DNA position 6197, A replaced by T.
Protein change: p.Gln2066Leu; replaces glutamine 2066 with leucine.
Molecular consequence: missense variant. On other transcripts: intron variant (2).
Genome position (GRCh38, 1-based): chr11:108,316,112, A>T. VCF-style: chr11-108316112-A-T. GRCh37 (hg19) VCF-style: chr11-108186839-A-T.
Other names: c.6197A>T, p.Gln2066Leu (NM_001351834.2); c.641-7041T>A (NM_001330368.2); c.*39-7041T>A (NM_001351110.2); short protein forms Q2066L.
Identifiers: ClinVar variation 4882688 (VCV004882688.2).

ClinVar aggregate classification (germline): Uncertain significance (1 of 4 stars; one submission).

Conditions:
ATM-related cancer predisposition. Also called: ATM-related cancer susceptibility. Identifiers: MedGen CN377759, MONDO:0700270.

Submission:

Dasa
Classification: Uncertain significance for ATM-related cancer predisposition. Last evaluated: 2025-01-14. Review status: criteria provided, single submitter. Criteria: DASA Assertion Criteria. Collection method: clinical testing. Allele origin: germline.
Comment: NM_000051.4(ATM):c.6197A>T (p.Gln2066Leu) is a missense variant that results in the substitution of glutamine with leucine. This variant is absent from population databases. Computational prediction algorithms are consistent with a deleterious effect. The currently available literature and clinical evidence are not sufficient to establish a definitive association between this variant and the reported condition. Therefore, this variant is classified as a variant of uncertain significance.